The following is an entry in ClinVar:

ClinVar aggregate classification (germline): Uncertain significance. Review status: criteria provided, multiple submitters, no conflicts (2 of 4 stars). 5 submissions from 5 submitters: Uncertain significance (5). Last evaluated 2026-07-28.

Conditions:
Inborn genetic diseases. Identifiers: MedGen C0950123, MeSH D030342.

Allele frequency attached by ClinVar (database versions not stated): ExAC 0.00007; 1000 Genomes Project 30x 0.00016; gnomAD exomes 0.00003 and 0.00007; ESP Exome Variant Server 0.00015; TOPMed 0.00028; gnomAD 0.00029; 1000 Genomes Project 0.00020.
gnomAD v4.1: 78 of 1,613,190 alleles (0.0048%); highest among the groups gnomAD compares: African/African-American, 0.087%; no homozygotes.

Submissions (5):

GeneDx
Classification: Uncertain significance. Last evaluated: 2026-07-28. Review status: criteria provided, single submitter. Criteria: GeneDx Variant Classification Process June 2021. Collection method: clinical testing. Allele origin: germline.
Comment: In silico analysis suggests that this missense variant does not alter protein structure/function; Has not been previously published as pathogenic or benign to our knowledge

Ambry Genetics
Classification: Uncertain significance for Inborn genetic diseases. Last evaluated: 2025-04-03. Review status: criteria provided, single submitter. Criteria: Ambry Variant Classification Scheme 2023. Collection method: clinical testing. Allele origin: germline.

Labcorp Genetics (formerly Invitae), Labcorp
Classification: Uncertain significance. Last evaluated: 2022-06-20. Review status: criteria provided, single submitter. Criteria: Invitae Variant Classification Sherloc (09022015). Collection method: clinical testing. Allele origin: germline.
Comment: In summary, the available evidence is currently insufficient to determine the role of this variant in disease. Therefore, it has been classified as a Variant of Uncertain Significance. Algorithms developed to predict the effect of missense changes on protein structure and function are either unavailable or do not agree on the potential impact of this missense change (SIFT: "Deleterious"; PolyPhen-2: "Probably Damaging"; Align-GVGD: "Class C0"). ClinVar contains an entry for this variant (Variation ID: 288226). This variant has not been reported in the literature in individuals affected with HSPG2-related conditions. This variant is present in population databases (rs151178822, gnomAD 0.09%). This sequence change replaces arginine, which is basic and polar, with glutamine, which is neutral and polar, at codon 2312 of the HSPG2 protein (p.Arg2312Gln).

Athena Diagnostics
Classification: Uncertain significance. Last evaluated: 2020-04-20. Review status: criteria provided, single submitter. Criteria: Athena Diagnostics Criteria. Collection method: clinical testing. Allele origin: unknown.

Eurofins Ntd Llc (ga)
Classification: Uncertain significance. Last evaluated: 2016-06-28. Review status: criteria provided, single submitter. Criteria: EGL Classification Definitions 2015. Collection method: clinical testing. Allele origin: germline. Observed: 2 variant alleles, 2 heterozygotes.

NM_005529.7(HSPG2):c.6935G>A (p.Arg2312Gln)

Gene: HSPG2 (heparan sulfate proteoglycan 2; minus strand). Cytogenetic location: 1p36.12.
Variant type: single nucleotide variant.
Coding change: c.6935G>A on transcript NM_005529.7 (MANE Select); coding-DNA position 6935, G replaced by A.
Protein change: p.Arg2312Gln; replaces arginine 2312 with glutamine.
Molecular consequence: missense variant.
Genome position (GRCh38, 1-based): chr1:21,851,862, C>T on the plus strand (G>A on the coding strand, the complement: HSPG2 is on the minus strand). VCF-style: chr1-21851862-C-T. GRCh37 (hg19) VCF-style: chr1-22178355-C-T.
Other names: c.6938G>A, p.Arg2313Gln (NM_001291860.2); short protein forms R2312Q, R2313Q.
Identifiers: ClinVar variation 288226 (VCV000288226.20), dbSNP rs151178822, ClinGen allele CA671370.